The following is an entry in ClinVar:

NM_153460.4(IL17RC):c.2027G>T (p.Arg676Leu)

Genes: IL17RC (interleukin 17 receptor C; plus strand), LOC129936144 (ATAC-STARR-seq lymphoblastoid silent region 14051; plus strand). Cytogenetic location: 3p25.3.
Variant type: single nucleotide variant.
Coding change: c.2027G>T on transcript NM_153460.4 (MANE Select); coding-DNA position 2027, G replaced by T.
Protein change: p.Arg676Leu; replaces arginine 676 with leucine.
Molecular consequence: missense variant. On other transcripts: non-coding transcript variant (1).
Genome position (GRCh38, 1-based): chr3:9,933,457, G>T. VCF-style: chr3-9933457-G-T. GRCh37 (hg19) VCF-style: chr3-9975141-G-T.
Other names: c.1988G>T, p.Arg663Leu (NM_001203263.2); c.1937G>T, p.Arg646Leu (NM_001203264.2); c.1931G>T, p.Arg644Leu (NM_001203265.2); c.1949G>T, p.Arg650Leu (NM_001367278.1); c.1868G>T, p.Arg623Leu (NM_001367279.1); c.1943G>T, p.Arg648Leu (NM_001367280.1); c.1892G>T, p.Arg631Leu (NM_001410711.1); c.1982G>T, p.Arg661Leu (NM_032732.6); and 1 more; short protein forms R646L, R648L, R650L, R661L, R663L, R623L, R644L, R676L.
Identifiers: ClinVar variation 2754259 (VCV002754259.3), dbSNP rs1233855610, ClinGen allele CA351709318.

ClinVar aggregate classification (germline): Uncertain significance (1 of 4 stars; one submission).

Conditions:
Candidiasis, familial, 9 (CANDF9). Identifiers: Orphanet 1334, MedGen C4225324, MONDO:0014642, OMIM 616445.

Allele frequency attached by ClinVar (database versions not stated): gnomAD exomes below 0.00001.
gnomAD v4.1: 2 of 1,612,974 alleles (0.00012%); highest among the groups gnomAD compares: Non-Finnish European, 0.00017%; no homozygotes.

Submission:

Labcorp Genetics (formerly Invitae), Labcorp
Classification: Uncertain significance for Candidiasis, familial, 9. Last evaluated: 2023-08-20. Review status: criteria provided, single submitter. Criteria: Invitae Variant Classification Sherloc (09022015). Collection method: clinical testing. Allele origin: germline.
Comment: In summary, the available evidence is currently insufficient to determine the role of this variant in disease. Therefore, it has been classified as a Variant of Uncertain Significance. An algorithm developed to predict the effect of missense changes on protein structure and function (PolyPhen-2) suggests that this variant is likely to be tolerated. This variant has not been reported in the literature in individuals affected with IL17RC-related conditions. The frequency data for this variant in the population databases is considered unreliable, as metrics indicate poor data quality at this position in the gnomAD database. This sequence change replaces arginine, which is basic and polar, with leucine, which is neutral and non-polar, at codon 747 of the IL17RC protein (p.Arg747Leu).